The following is an entry in ClinVar:

NM_014991.6(WDFY3):c.642del (p.Gln214fs)

Gene: WDFY3 (WD repeat and FYVE domain containing 3; minus strand). Cytogenetic location: 4q21.23.
Variant type: Deletion.
Coding change: c.642del on transcript NM_014991.6 (MANE Select); coding-DNA position 642, one base deleted (G; older notation c.642delG).
Protein change: p.Gln214fs; shifts the reading frame from glutamine 214.
Molecular consequence: frameshift variant.
Genome position (GRCh38, 1-based): chr4:84,831,540, C deleted on the plus strand (G on the coding strand, the reverse complement: WDFY3 is on the minus strand). VCF-style (leftmost placement, unchanged base first): chr4-84831539-GC-G. GRCh37 (hg19) VCF-style: chr4-85752692-GC-G.
Other names: short protein forms Q214fs.
Identifiers: ClinVar variation 1315153 (VCV001315153.2), dbSNP rs2149930155, ClinGen allele CA2573052369.
Genomic context (GRCh38, chr4:84,831,539, plus strand): 5'-CACTCTTTCTCCAAGGCAGGTTATAGGGAGGGCACCAAGAGGTTATTGCACTGAATAGAA[GC>G]TGGAGATCATCTTTCTGAGCCAGCTCCTCCGCAGGGGAAACAAAACTGCACAGTTTCACT-3'

ClinVar aggregate classification (germline): Uncertain significance (1 of 4 stars; one submission).

Submission:

GeneDx
Classification: Uncertain significance. Last evaluated: 2020-01-30. Review status: criteria provided, single submitter. Criteria: GeneDx Variant Classification Process June 2021. Collection method: clinical testing. Allele origin: germline. Affected: yes.
Comment: Not observed in large population cohorts (Lek et al., 2016); Frameshift variant predicted to result in protein truncation or nonsense mediated decay in a gene for which loss-of-function is not a known mechanism of disease; Has not been previously published as pathogenic or benign to our knowledge